The following is an entry in ClinVar:

ClinVar aggregate classification (germline): Uncertain significance. Review status: criteria provided, multiple submitters, no conflicts (2 of 4 stars). 2 submissions from 2 submitters: Uncertain significance (2). Last evaluated 2025-09-12.

Conditions:
Cardiovascular phenotype. Identifiers: MedGen CN230736.
Brugada syndrome 8 (BRGDA8). Identifiers: Orphanet 130, MedGen C2751083, MONDO:0013148, OMIM 613123.

Allele frequency attached by ClinVar (database versions not stated): 1000 Genomes Project 30x 0.00016.
gnomAD v4.1: 3 of 1,454,612 alleles (0.00021%); highest among the groups gnomAD compares: African/African-American, 0.0028%; no homozygotes.

Submissions (2):

Ambry Genetics
Classification: Uncertain significance for Cardiovascular phenotype. Last evaluated: 2025-09-12. Review status: criteria provided, single submitter. Criteria: Ambry Variant Classification Scheme 2023. Collection method: clinical testing. Allele origin: germline.
Comment: The p.P1034T variant (also known as c.3100C>A), located in coding exon 8 of the HCN4 gene, results from a C to A substitution at nucleotide position 3100. The proline at codon 1034 is replaced by threonine, an amino acid with highly similar properties. This amino acid position is not well conserved in available vertebrate species. In addition, this alteration is predicted to be tolerated by in silico analysis. Since supporting evidence is limited at this time, the clinical significance of this alteration remains unclear.

Labcorp Genetics (formerly Invitae), Labcorp
Classification: Uncertain significance for Brugada syndrome 8. Last evaluated: 2024-10-07. Review status: criteria provided, single submitter. Criteria: Invitae Variant Classification Sherloc (09022015). Collection method: clinical testing. Allele origin: germline.
Comment: This sequence change replaces proline, which is neutral and non-polar, with threonine, which is neutral and polar, at codon 1034 of the HCN4 protein (p.Pro1034Thr). This variant is present in population databases (no rsID available, gnomAD 0.01%). This variant has not been reported in the literature in individuals affected with HCN4-related conditions. ClinVar contains an entry for this variant (Variation ID: 649388). Invitae Evidence Modeling of protein sequence and biophysical properties (such as structural, functional, and spatial information, amino acid conservation, physicochemical variation, residue mobility, and thermodynamic stability) indicates that this missense variant is not expected to disrupt HCN4 protein function with a negative predictive value of 95%. In summary, the available evidence is currently insufficient to determine the role of this variant in disease. Therefore, it has been classified as a Variant of Uncertain Significance.

NM_005477.3(HCN4):c.3100C>A (p.Pro1034Thr)

Gene: HCN4 (hyperpolarization activated cyclic nucleotide gated potassium channel 4; minus strand). Cytogenetic location: 15q24.1.
Variant type: single nucleotide variant.
Coding change: c.3100C>A on transcript NM_005477.3 (MANE Select); coding-DNA position 3100, C replaced by A.
Protein change: p.Pro1034Thr; replaces proline 1034 with threonine.
Molecular consequence: missense variant.
Genome position (GRCh38, 1-based): chr15:73,322,993, G>T on the plus strand (C>A on the coding strand, the complement: HCN4 is on the minus strand). VCF-style: chr15-73322993-G-T. GRCh37 (hg19) VCF-style: chr15-73615334-G-T.
Other names: short protein forms P1034T.
Identifiers: ClinVar variation 649388 (VCV000649388.14), dbSNP rs1158677290, ClinGen allele CA393086217.